The following is an entry in ClinVar:

ClinVar aggregate classification (germline): Likely benign (1 of 4 stars; one submission).

gnomAD v4.1: 46 of 1,613,542 alleles (0.0029%); highest among the groups gnomAD compares: Non-Finnish European, 0.0037%; 1 homozygote.

Submission:

CeGaT Center for Human Genetics Tuebingen
Classification: Likely benign. Last evaluated: 2024-08-01. Review status: criteria provided, single submitter. Criteria: CeGaT Center For Human Genetics Tuebingen Variant Classification Criteria Version 2. Collection method: clinical testing. Allele origin: germline. Affected: yes. Observed: 1 variant allele.
Comment: DRD3: BP4, BP7

NM_000796.6(DRD3):c.117C>T (p.Leu39=)

Gene: DRD3 (dopamine receptor D3; minus strand). Cytogenetic location: 3q13.31.
Variant type: single nucleotide variant.
Coding change: c.117C>T on transcript NM_000796.6 (MANE Select); coding-DNA position 117, C replaced by T.
Protein change: p.Leu39=; no amino-acid change (leucine 39 retained).
Molecular consequence: synonymous variant.
Genome position (GRCh38, 1-based): chr3:114,171,876, G>A on the plus strand (C>T on the coding strand, the complement: DRD3 is on the minus strand). VCF-style: chr3-114171876-G-A. GRCh37 (hg19) VCF-style: chr3-113890723-G-A.
Other names: c.117C>T, p.Leu39= (NM_001282563.2, NM_001290809.1, NM_033663.6).
Identifiers: ClinVar variation 3341887 (VCV003341887.16), dbSNP rs149122773.